The following is an entry in ClinVar:

ClinVar aggregate classification (germline): Benign. Review status: criteria provided, multiple submitters, no conflicts (2 of 4 stars). 14 submissions from 12 submitters: Benign (12). 2 of the submissions do not count toward it. Last evaluated 2026-02-04.

Conditions:
Cardiovascular phenotype. Identifiers: MedGen CN230736.
Isolated Nonsyndromic Congenital Heart Disease.
Tetralogy of Fallot (TOF). Identifiers: Orphanet 3303, MedGen C0039685, MONDO:0008542, OMIM 187500, HP:0001636.
Deafness, congenital heart defects, and posterior embryotoxon (DCHE). Identifiers: MedGen C1866053, MONDO:0060713, OMIM 617992.
Alagille syndrome due to a JAG1 point mutation. Also called: HEPATIC DUCTULAR HYPOPLASIA, SYNDROMATIC; Alagille Syndrome 1; JAG1-Related Alagille Syndrome. Identifiers: Orphanet 261619, Orphanet 52, MedGen C1956125, MONDO:0016862, OMIM 118450.

Allele frequency attached by ClinVar (database versions not stated): 1000 Genomes Project 0.18011; 1000 Genomes Project 30x 0.18145; gnomAD 0.21993 and 0.22213; TOPMed 0.22097; ESP Exome Variant Server 0.22813; ExAC 0.23829; gnomAD exomes 0.24260 and 0.25632.
gnomAD v4.1: 407,753 of 1,614,010 alleles (25%); highest among the groups gnomAD compares: Admixed American, 28%; 53,389 homozygotes.

Submissions (14):

Labcorp Genetics (formerly Invitae), Labcorp
Classification: Benign for Alagille syndrome due to a JAG1 point mutation. Last evaluated: 2026-02-04. Review status: criteria provided, single submitter. Criteria: Invitae Variant Classification Sherloc (09022015). Collection method: clinical testing. Allele origin: germline.

Blueprint Genetics
Classification: Benign. Last evaluated: 2024-11-28. Review status: criteria provided, single submitter. Criteria: ACMG Guidelines, 2015. Collection method: clinical testing. Allele origin: germline.

Women's Health and Genetics/Laboratory Corporation of America, LabCorp
Classification: Benign. Last evaluated: 2023-04-04. Review status: criteria provided, single submitter. Criteria: LabCorp Variant Classification Summary - May 2015. Collection method: clinical testing. Allele origin: germline.

Mayo Clinic Laboratories, Mayo Clinic
Classification: Benign. Last evaluated: 2022-04-26. Review status: criteria provided, single submitter. Criteria: ACMG Guidelines, 2015. Collection method: clinical testing. Allele origin: germline. Observed: 338 variant alleles.

Genome-Nilou Lab
Classification: Benign for Deafness, congenital heart defects, and posterior embryotoxon. Last evaluated: 2021-08-19. Review status: criteria provided, single submitter. Criteria: ACMG Guidelines, 2015. Collection method: clinical testing. Allele origin: germline. Affected: no.

Genome-Nilou Lab
Classification: Benign for Alagille syndrome due to a JAG1 point mutation. Last evaluated: 2021-08-19. Review status: criteria provided, single submitter. Criteria: ACMG Guidelines, 2015. Collection method: clinical testing. Allele origin: germline. Affected: no.

Genome-Nilou Lab
Classification: Benign for Tetralogy of Fallot. Last evaluated: 2021-08-19. Review status: criteria provided, single submitter. Criteria: ACMG Guidelines, 2015. Collection method: clinical testing. Allele origin: germline. Affected: no.

Illumina Laboratory Services, Illumina
Classification: Benign for Isolated Nonsyndromic Congenital Heart Disease. Last evaluated: 2018-01-12. Review status: criteria provided, single submitter. Criteria: ICSL Variant Classification Criteria 13 December 2019. Collection method: clinical testing. Allele origin: germline.
Comment: This variant was observed in the ICSL laboratory as part of a predisposition screen in an ostensibly healthy population. It had not been previously curated by ICSL or reported in the Human Gene Mutation Database (HGMD: prior to June 1st, 2018), and was therefore a candidate for classification through an automated scoring system. Utilizing variant allele frequency, disease prevalence and penetrance estimates, and inheritance mode, an automated score was calculated to assess if this variant is too frequent to cause the disease. Based on the score and internal cut-off values, a variant classified as benign is not then subjected to further curation. The score for this variant resulted in a classification of benign for this disease.

Laboratory for Molecular Medicine, Mass General Brigham Personalized Medicine
Classification: Benign. Last evaluated: 2016-03-30. Review status: criteria provided, single submitter. Criteria: LMM Criteria. Collection method: clinical testing. Allele origin: germline. Observed: 27 variant alleles.
Comment: p.Tyr1176Tyr in exon 26 of JAG1: This variant is not expected to have clinical s ignificance because it does not alter an amino acid residue and is not located w ithin the splice consensus sequence. It has been identified in 28% (18682/66732) of European chromosomes by the Exome Aggregation Consortium (ExAC.; dbSNP rs1051421).

Ambry Genetics
Classification: Benign for Cardiovascular phenotype. Last evaluated: 2015-06-24. Review status: criteria provided, single submitter. Criteria: Ambry Variant Classification Scheme 2023. Collection method: clinical testing. Allele origin: germline.

Breakthrough Genomics
Classification: Benign. Review status: criteria provided, single submitter. Criteria: ACMG Guidelines, 2015. Collection method: not provided. Allele origin: germline. Inheritance: Autosomal dominant inheritance. Affected: yes.

PreventionGenetics, part of Exact Sciences
Classification: Benign. Review status: criteria provided, single submitter. Criteria: ACMG Guidelines, 2015. Collection method: clinical testing. Allele origin: germline.

Clinical Genetics, Academic Medical Center
Classification: Benign. Review status: no assertion criteria provided. Collection method: clinical testing. Allele origin: germline. Affected: yes. Study: VKGL Data-share Consensus. Not counted in ClinVar's aggregate classification.

Joint Genome Diagnostic Labs from Nijmegen and Maastricht, Radboudumc and MUMC+
Classification: Benign. Review status: no assertion criteria provided. Collection method: clinical testing. Allele origin: germline. Affected: yes. Study: VKGL Data-share Consensus. Not counted in ClinVar's aggregate classification.

NM_000214.3(JAG1):c.3528C>T (p.Tyr1176=)

Gene: JAG1 (jagged canonical Notch ligand 1; minus strand). Cytogenetic location: 20p12.2.
Variant type: single nucleotide variant.
Coding change: c.3528C>T on transcript NM_000214.3 (MANE Select); coding-DNA position 3528, C replaced by T.
Protein change: p.Tyr1176=; no amino-acid change (tyrosine 1176 retained).
Molecular consequence: synonymous variant.
Genome position (GRCh38, 1-based): chr20:10,639,627, G>A on the plus strand (C>T on the coding strand, the complement: JAG1 is on the minus strand). VCF-style: chr20-10639627-G-A. GRCh37 (hg19) VCF-style: chr20-10620275-G-A.
Other names: p.Tyr1176=.
Identifiers: ClinVar variation 42478 (VCV000042478.31), dbSNP rs1051421, ClinGen allele CA282311.
Genomic context (GRCh38, chr20:10,639,627, plus strand): 5'-CCAGTTTGGGTGTTTTGTCGGCGTGCCGTTGGGGGGCTTCTCTTCTCTGTCTACCAGCGT[G>A]TACGCCGGCTGCTTGGCAAACCGGGCTTTCTGCTGGTGTTTGTCCATGTCGTCCTCTTCT-3'
Protein context (NP_000205.1, residues 1166-1186): QKARFAKQPA[Tyr1176=]TLVDREEKPP